The following is an entry in ClinVar:

NM_004260.4(RECQL4):c.1933A>G (p.Thr645Ala)

Gene: RECQL4 (RecQ like helicase 4; minus strand). Cytogenetic location: 8q24.3.
Variant type: single nucleotide variant.
Coding change: c.1933A>G on transcript NM_004260.4 (MANE Select); coding-DNA position 1933, A replaced by G.
Protein change: p.Thr645Ala; replaces threonine 645 with alanine.
Molecular consequence: missense variant. On other transcripts: non-coding transcript variant (3).
Genome position (GRCh38, 1-based): chr8:144,514,053, T>C on the plus strand (A>G on the coding strand, the complement: RECQL4 is on the minus strand). VCF-style: chr8-144514053-T-C. GRCh37 (hg19) VCF-style: chr8-145739437-T-C.
Other names: c.1837A>G, p.Thr613Ala (NM_001413017.1, NM_001413020.1); c.1933A>G, p.Thr645Ala (NM_001413018.1, NM_001413019.1, NM_001413036.1); c.862A>G, p.Thr288Ala (NM_001413021.1, NM_001413022.1, NM_001413023.1 and 6 more transcripts); c.1804A>G, p.Thr602Ala (NM_001413025.1); c.796A>G, p.Thr266Ala (NM_001413027.1, NM_001413030.1, NM_001413032.1 and 1 more transcripts); c.1582A>G, p.Thr528Ala (NM_001413029.1); c.664A>G, p.Thr222Ala (NM_001413031.1); c.1801A>G, p.Thr601Ala (NM_001413033.1); and 4 more; short protein forms T288A, T156A, T222A, T278A, T635A, T613A, T645A, T244A.
Identifiers: ClinVar variation 4152338 (VCV004152338.1).

ClinVar aggregate classification (germline): Uncertain significance (1 of 4 stars; one submission).

Conditions:
Inborn genetic diseases. Identifiers: MedGen C0950123, MeSH D030342.

gnomAD v4.1: 2 of 1,583,454 alleles (0.00013%); highest among the groups gnomAD compares: East Asian, 0.0023%; no homozygotes.

Submission:

Ambry Genetics
Classification: Uncertain significance for Inborn genetic diseases. Last evaluated: 2025-06-18. Review status: criteria provided, single submitter. Criteria: Ambry Variant Classification Scheme 2023. Collection method: clinical testing. Allele origin: germline.
Comment: The p.T645A variant (also known as c.1933A>G), located in coding exon 12 of the RECQL4 gene, results from an A to G substitution at nucleotide position 1933. The threonine at codon 645 is replaced by alanine, an amino acid with similar properties. This amino acid position is conserved. In addition, the in silico prediction for this alteration is inconclusive. Based on the available evidence, the clinical significance of this variant remains unclear.